The following is an entry in ClinVar:

ClinVar aggregate classification (germline): Uncertain significance. Review status: criteria provided, single submitter (1 of 4 stars). 2 submissions from 2 submitters: Uncertain significance (1). 1 of the submissions does not count toward it. Last evaluated 2025-11-20.

Conditions:
PLXNA1-related disorder. Also called: PLXNA1-related condition.

gnomAD v4.1: 33 of 1,613,684 alleles (0.002%); highest among the groups gnomAD compares: African/African-American, 0.004%; no homozygotes.

Submissions (2):

Ambry Genetics
Classification: Uncertain significance. Last evaluated: 2025-11-20. Review status: criteria provided, single submitter. Criteria: Ambry Variant Classification Scheme 2023. Collection method: clinical testing. Allele origin: germline.

PreventionGenetics, part of Exact Sciences
Classification: Uncertain significance for PLXNA1-related condition. Last evaluated: 2024-04-22. Review status: no assertion criteria provided. Collection method: clinical testing. Allele origin: germline. Not counted in ClinVar's aggregate classification.
Comment: The PLXNA1 c.4831T>G variant is predicted to result in the amino acid substitution p.Ser1611Ala. To our knowledge, this variant has not been reported in the literature. This variant is reported in 0.0062% of alleles in individuals of African descent in gnomAD. At this time, the clinical significance of this variant is uncertain due to the absence of conclusive functional and genetic evidence.

NM_032242.4(PLXNA1):c.4831T>G (p.Ser1611Ala)

Gene: PLXNA1 (plexin A1; plus strand). Cytogenetic location: 3q21.3.
Variant type: single nucleotide variant.
Coding change: c.4831T>G on transcript NM_032242.4 (MANE Select); coding-DNA position 4831, T replaced by G.
Protein change: p.Ser1611Ala; replaces serine 1611 with alanine.
Molecular consequence: missense variant.
Genome position (GRCh38, 1-based): chr3:127,029,497, T>G. VCF-style: chr3-127029497-T-G. GRCh37 (hg19) VCF-style: chr3-126748340-T-G.
Other names: short protein forms S1611A.
Identifiers: ClinVar variation 3357067 (VCV003357067.2).
Genomic context (GRCh38, chr3:127,029,497, plus strand): 5'-CAGGTGACAGACGGGTCCTCGGTGGCACTGGTGCCCAAGCAGACGTCCGCCTACAACATC[T>G]CCAACTCCTCCACCTTCACCAAGTCCCTCAGCAGATACGGTGAGGGGCCAGGCAGCGGGC-3'
Protein context (NP_115618.3, residues 1601-1621): VPKQTSAYNI[Ser1611Ala]NSSTFTKSLS